The following is an entry in ClinVar:

NM_001134407.3(GRIN2A):c.1533G>A (p.Ser511=)

Gene: GRIN2A (glutamate ionotropic receptor NMDA type subunit 2A; minus strand). Cytogenetic location: 16p13.2.
Variant type: single nucleotide variant.
Coding change: c.1533G>A on transcript NM_001134407.3 (MANE Select); coding-DNA position 1533, G replaced by A.
Protein change: p.Ser511=; no amino-acid change (serine 511 retained).
Molecular consequence: synonymous variant.
Genome position (GRCh38, 1-based): chr16:9,840,765, C>T on the plus strand (G>A on the coding strand, the complement: GRIN2A is on the minus strand). VCF-style: chr16-9840765-C-T. GRCh37 (hg19) VCF-style: chr16-9934622-C-T.
Other names: c.1533G>A, p.Ser511= (NM_000833.5, NM_001134408.2).
Identifiers: ClinVar variation 386654 (VCV000386654.39), dbSNP rs112848130, ClinGen allele CA7896681.
Genomic context (GRCh38, chr16:9,840,765, plus strand): 5'-CGTTTCCACAAAGGGCACAGAGAAGTCCACCACTTCAGAACGTTCCTCATTGATGGTGAG[C>T]GAGCCAACTGCCATGACTGCCCGTTGATAGACCACCTGGATGCAAGGCAAAAAAAAAAAA-3'
Protein context (NP_001127879.1, residues 501-521): VYQRAVMAVG[Ser511=]LTINEERSEV

ClinVar aggregate classification (germline): Likely benign. Review status: criteria provided, multiple submitters, no conflicts (2 of 4 stars). 6 submissions from 6 submitters: Likely benign (5). 1 of the submissions does not count toward it. Last evaluated 2025-12-01.

Conditions:
Inborn genetic diseases. Identifiers: MedGen C0950123, MeSH D030342.
GRIN2A-related complex neurodevelopmental disorder. Also called: GRIN2A-related disorder; GRIN2A-related condition. Identifiers: MedGen CN379781, MONDO:1060139.
Landau-Kleffner syndrome (FESD). Also called: EPILEPSY, FOCAL, WITH SPEECH DISORDER AND WITH OR WITHOUT MENTAL RETARDATION; APHASIA, ACQUIRED, WITH EPILEPSY. Identifiers: Orphanet 1945, Orphanet 725, Orphanet 98818, MedGen C0282512, MONDO:0009509, OMIM 245570.

Allele frequency attached by ClinVar (database versions not stated): ExAC 0.00006; gnomAD 0.00007 and 0.00011; 1000 Genomes Project 30x 0.00078; 1000 Genomes Project 0.00100; TOPMed 0.00008; gnomAD exomes 0.00006 and 0.00004.
gnomAD v4.1: 123 of 1,600,972 alleles (0.0077%); highest among the groups gnomAD compares: African/African-American, 0.041%; no homozygotes.

Submissions (6):

CeGaT Center for Human Genetics Tuebingen
Classification: Likely benign. Last evaluated: 2025-12-01. Review status: criteria provided, single submitter. Criteria: CeGaT Center For Human Genetics Tuebingen Variant Classification Criteria Version 2. Collection method: clinical testing. Allele origin: germline. Affected: yes. Observed: 2 variant alleles.
Comment: GRIN2A: BP4, BP7

Labcorp Genetics (formerly Invitae), Labcorp
Classification: Likely benign for Landau-Kleffner syndrome. Last evaluated: 2025-11-03. Review status: criteria provided, single submitter. Criteria: Invitae Variant Classification Sherloc (09022015). Collection method: clinical testing. Allele origin: germline.

Blueprint Genetics
Classification: Likely benign. Last evaluated: 2024-09-06. Review status: criteria provided, single submitter. Criteria: ACMG Guidelines, 2015. Collection method: clinical testing. Allele origin: germline.

GeneDx
Classification: Likely benign. Last evaluated: 2020-05-27. Review status: criteria provided, single submitter. Criteria: GeneDx Variant Classification Process June 2021. Collection method: clinical testing. Allele origin: germline. Affected: yes.

Ambry Genetics
Classification: Likely benign for Inborn genetic diseases. Last evaluated: 2016-12-30. Review status: criteria provided, single submitter. Criteria: Ambry Variant Classification Scheme 2023. Collection method: clinical testing. Allele origin: germline.

PreventionGenetics, part of Exact Sciences
Classification: Likely benign for GRIN2A-related condition. Last evaluated: 2019-10-28. Review status: no assertion criteria provided. Collection method: clinical testing. Allele origin: germline. Not counted in ClinVar's aggregate classification.
Comment: This variant is classified as likely benign based on ACMG/AMP sequence variant interpretation guidelines (Richards et al. 2015 PMID: 25741868, with internal and published modifications).